The following is an entry in ClinVar:

ClinVar aggregate classification (germline): Uncertain significance. Review status: criteria provided, multiple submitters, no conflicts (2 of 4 stars). 3 submissions from 3 submitters: Uncertain significance (3). Last evaluated 2023-08-15.

Conditions:
Cardiovascular phenotype. Identifiers: MedGen CN230736.
Arrhythmogenic cardiomyopathy with wooly hair and keratoderma. Also called: Arrhythmogenic cardiomyopathy with woolly hair and keratoderma; PALMOPLANTAR KERATODERMA WITH LEFT VENTRICULAR CARDIOMYOPATHY AND WOOLLY HAIR; Carvajal syndrome; Dilated cardiomyopathy with woolly hair and keratoderma. Identifiers: Orphanet 65282, MedGen C1854063, MONDO:0011581, OMIM 605676.

Allele frequency attached by ClinVar (database versions not stated): TOPMed below 0.00001; gnomAD 0.00001.
gnomAD v4.1: 1 of 1,614,074 alleles (0.000062%); highest among the groups gnomAD compares: Admixed American, 0.0017%; no homozygotes.

Submissions (3):

All of Us Research Program, National Institutes of Health
Classification: Uncertain significance for Arrhythmogenic cardiomyopathy with wooly hair and keratoderma. Last evaluated: 2023-08-15. Review status: criteria provided, single submitter. Criteria: ACMG Guidelines, 2015. Collection method: clinical testing. Allele origin: germline. Inheritance: Autosomal dominant inheritance. Observed: 1 variant allele, 1 heterozygote.
Comment: This study involves interpretation of variants in research participants for the purpose of population health screening. Participant phenotype was not available at the time of variant classification. Additional details can be found in publication PMID: 35346344, PMCID: PMC8962531

Ambry Genetics
Classification: Uncertain significance for Cardiovascular phenotype. Last evaluated: 2021-12-24. Review status: criteria provided, single submitter. Criteria: Ambry Variant Classification Scheme 2023. Collection method: clinical testing. Allele origin: germline.
Comment: The p.E805D variant (also known as c.2415A>C), located in coding exon 17 of the DSP gene, results from an A to C substitution at nucleotide position 2415. The glutamic acid at codon 805 is replaced by aspartic acid, an amino acid with highly similar properties. This amino acid position is conserved. In addition, the in silico prediction for this alteration is inconclusive. Since supporting evidence is limited at this time, the clinical significance of this alteration remains unclear.

Women's Health and Genetics/Laboratory Corporation of America, LabCorp
Classification: Uncertain significance. Last evaluated: 2016-06-17. Review status: criteria provided, single submitter. Criteria: LabCorp Variant Classification Summary - May 2015. Collection method: clinical testing. Allele origin: germline.
Comment: Variant summary: The DSP c.2415A>C (p.Glu805Asp) variant involves the alteration of a non-conserved nucleotide. 4/4 in silico tools predict a damaging outcome for this variant (SNPs&GO not captured due to low reliability index). This variant was absent in 121396 control chromosomes. The variant of interest has not, to our knowledge, been reported in affected individuals via publications and/or reputable databases/clinical diagnostic laboratories; nor evaluated for functional impact by in vivo/vitro studies. Because of the absence of clinical information and the lack of functional studies, the variant was classified as a variant of uncertain significance (VUS) until additional information becomes available.

NM_004415.4(DSP):c.2415A>C (p.Glu805Asp)

Gene: DSP (desmoplakin; plus strand). Cytogenetic location: 6p24.3.
Variant type: single nucleotide variant.
Coding change: c.2415A>C on transcript NM_004415.4 (MANE Select); coding-DNA position 2415, A replaced by C.
Protein change: p.Glu805Asp; replaces glutamic acid 805 with aspartic acid.
Molecular consequence: missense variant.
Genome position (GRCh38, 1-based): chr6:7,574,774, A>C. VCF-style: chr6-7574774-A-C. GRCh37 (hg19) VCF-style: chr6-7575007-A-C.
Other names: c.2415A>C (LRG_423t1); c.2415A>C, p.Glu805Asp (NM_001008844.3, NM_001319034.2); short protein forms E805D.
Identifiers: ClinVar variation 496241 (VCV000496241.4), dbSNP rs1554107530, ClinGen allele CA362681274.